The following is an entry in ClinVar:

NM_001005273.3(CHD3):c.3174G>A (p.Ser1058=)

Gene: CHD3 (chromodomain helicase DNA binding protein 3; plus strand). Cytogenetic location: 17p13.1.
Variant type: single nucleotide variant.
Coding change: c.3174G>A on transcript NM_001005273.3 (MANE Select); coding-DNA position 3174, G replaced by A.
Protein change: p.Ser1058=; no amino-acid change (serine 1058 retained).
Molecular consequence: synonymous variant.
Genome position (GRCh38, 1-based): chr17:7,901,297, G>A. VCF-style: chr17-7901297-G-A. GRCh37 (hg19) VCF-style: chr17-7804615-G-A.
Other names: c.3351G>A, p.Ser1117= (NM_001005271.3); c.3174G>A, p.Ser1058= (NM_005852.4).
Identifiers: ClinVar variation 2277898 (VCV002277898.5), dbSNP rs144911273, ClinGen allele CA8363024.

ClinVar aggregate classification (germline): Likely benign. Review status: criteria provided, multiple submitters, no conflicts (2 of 4 stars). 3 submissions from 3 submitters: Likely benign (2). 1 of the submissions does not count toward it. Last evaluated 2024-07-23.

Conditions:
Inborn genetic diseases. Identifiers: MedGen C0950123, MeSH D030342.
CHD3-related disorder. Also called: CHD3-related condition.

Allele frequency attached by ClinVar (database versions not stated): ExAC 0.00013; gnomAD exomes 0.00019; ESP Exome Variant Server 0.00031; 1000 Genomes Project 30x 0.00047; TOPMed 0.00049; gnomAD 0.00052; 1000 Genomes Project 0.00060.

Submissions (3):

Blueprint Genetics
Classification: Likely benign. Last evaluated: 2024-07-23. Review status: criteria provided, single submitter. Criteria: ACMG Guidelines, 2015. Collection method: clinical testing. Allele origin: germline.

Ambry Genetics
Classification: Likely benign for Inborn genetic diseases. Last evaluated: 2022-03-27. Review status: criteria provided, single submitter. Criteria: Ambry Variant Classification Scheme 2023. Collection method: clinical testing. Allele origin: germline.

PreventionGenetics, part of Exact Sciences
Classification: Likely benign for CHD3-related condition. Last evaluated: 2019-08-28. Review status: no assertion criteria provided. Collection method: clinical testing. Allele origin: germline. Not counted in ClinVar's aggregate classification.
Comment: This variant is classified as likely benign based on ACMG/AMP sequence variant interpretation guidelines (Richards et al. 2015 PMID: 25741868, with internal and published modifications).